The following is an entry in ClinVar:

ClinVar aggregate classification (germline): Uncertain significance. Review status: criteria provided, multiple submitters, no conflicts (2 of 4 stars). 2 submissions from 2 submitters: Uncertain significance (2). Last evaluated 2024-07-22.

Conditions:
Kleefstra syndrome 1 (KLEFS1). Identifiers: Orphanet 261494, MedGen C0795833, MONDO:0027407, OMIM 610253.

Submissions (2):

Labcorp Genetics (formerly Invitae), Labcorp
Classification: Uncertain significance for Kleefstra syndrome 1. Last evaluated: 2024-07-22. Review status: criteria provided, single submitter. Criteria: Invitae Variant Classification Sherloc (09022015). Collection method: clinical testing. Allele origin: germline.
Comment: This sequence change replaces aspartic acid, which is acidic and polar, with asparagine, which is neutral and polar, at codon 887 of the EHMT1 protein (p.Asp887Asn). This variant is not present in population databases (gnomAD no frequency). This variant has not been reported in the literature in individuals affected with EHMT1-related conditions. Advanced modeling of protein sequence and biophysical properties (such as structural, functional, and spatial information, amino acid conservation, physicochemical variation, residue mobility, and thermodynamic stability) performed at Invitae indicates that this missense variant is not expected to disrupt EHMT1 protein function with a negative predictive value of 80%. In summary, the available evidence is currently insufficient to determine the role of this variant in disease. Therefore, it has been classified as a Variant of Uncertain Significance.

Blueprint Genetics
Classification: Uncertain significance. Last evaluated: 2022-09-16. Review status: criteria provided, single submitter. Criteria: ACMG Guidelines, 2015. Collection method: clinical testing. Allele origin: germline.

NM_024757.5(EHMT1):c.2659G>A (p.Asp887Asn)

Gene: EHMT1 (euchromatic histone lysine methyltransferase 1; plus strand). Cytogenetic location: 9q34.3.
Variant type: single nucleotide variant.
Coding change: c.2659G>A on transcript NM_024757.5 (MANE Select); coding-DNA position 2659, G replaced by A.
Protein change: p.Asp887Asn; replaces aspartic acid 887 with asparagine.
Molecular consequence: missense variant.
Genome position (GRCh38, 1-based): chr9:137,800,931, G>A. VCF-style: chr9-137800931-G-A. GRCh37 (hg19) VCF-style: chr9-140695383-G-A.
Other names: c.2638G>A, p.Asp880Asn (NM_001354263.2); short protein forms D880N, D887N.
Identifiers: ClinVar variation 3618610 (VCV003618610.3).